The following is an entry in ClinVar:

NM_006254.4(PRKCD):c.1470C>T (p.Ala490=)

Gene: PRKCD (protein kinase C delta; plus strand). Cytogenetic location: 3p21.1.
Variant type: single nucleotide variant.
Coding change: c.1470C>T on transcript NM_006254.4 (MANE Select); coding-DNA position 1470, C replaced by T.
Protein change: p.Ala490=; no amino-acid change (alanine 490 retained).
Molecular consequence: synonymous variant.
Genome position (GRCh38, 1-based): chr3:53,188,774, C>T. VCF-style: chr3-53188774-C-T. GRCh37 (hg19) VCF-style: chr3-53222790-C-T.
Other names: c.1470C>T, p.Ala490= (NM_001316327.2, NM_001354679.2, NM_001354680.2 and 1 more transcripts); c.1527C>T, p.Ala509= (NM_001354676.2); c.1518C>T, p.Ala506= (NM_001354678.2).
Identifiers: ClinVar variation 728487 (VCV000728487.11), dbSNP rs781875657, ClinGen allele CA2452200.
Genomic context (GRCh38, chr3:53,188,774, plus strand): 5'-CCTTAGGGACCTCAAACTGGACAATGTGCTGCTGGACCGGGATGGCCACATCAAGATTGC[C>T]GACTTTGGGATGTGCAAAGAGAACATATTCGGGGAGAGCCGGGCCAGCACCTTCTGCGGC-3'
Protein context (NP_006245.2, residues 480-500): LLDRDGHIKI[Ala490=]DFGMCKENIF

ClinVar aggregate classification (germline): Likely benign. Review status: criteria provided, multiple submitters, no conflicts (2 of 4 stars). 2 submissions from 2 submitters: Likely benign (2). Last evaluated 2026-02-01.

Conditions:
Autoimmune lymphoproliferative syndrome, type III caused by mutation in PRKCD. Identifiers: Orphanet 3261, Orphanet 664711, MedGen C3809928, MONDO:8000024, OMIM 615559.

Allele frequency attached by ClinVar (database versions not stated): gnomAD exomes 0.00003 and 0.00007; ExAC 0.00004; TOPMed 0.00005; gnomAD 0.00008 and 0.00009.
gnomAD v4.1: 110 of 1,614,062 alleles (0.0068%); highest among the groups gnomAD compares: Non-Finnish European, 0.008%; no homozygotes.

Submissions (2):

CeGaT Center for Human Genetics Tuebingen
Classification: Likely benign. Last evaluated: 2026-02-01. Review status: criteria provided, single submitter. Criteria: CeGaT Center For Human Genetics Tuebingen Variant Classification Criteria Version 2. Collection method: clinical testing. Allele origin: germline. Affected: yes. Observed: 1 variant allele.
Comment: PRKCD: BP4, BP7

Labcorp Genetics (formerly Invitae), Labcorp
Classification: Likely benign for Autoimmune lymphoproliferative syndrome, type III caused by mutation in PRKCD. Last evaluated: 2025-10-18. Review status: criteria provided, single submitter. Criteria: Invitae Variant Classification Sherloc (09022015). Collection method: clinical testing. Allele origin: germline.